The following is an entry in ClinVar:

NM_001371928.1(AHDC1):c.2575G>A (p.Ala859Thr)

Gene: AHDC1 (AT-hook DNA binding motif containing 1; minus strand). Cytogenetic location: 1p36.11.
Variant type: single nucleotide variant.
Coding change: c.2575G>A on transcript NM_001371928.1 (MANE Select); coding-DNA position 2575, G replaced by A.
Protein change: p.Ala859Thr; replaces alanine 859 with threonine.
Molecular consequence: missense variant.
Genome position (GRCh38, 1-based): chr1:27,549,541, C>T on the plus strand (G>A on the coding strand, the complement: AHDC1 is on the minus strand). VCF-style: chr1-27549541-C-T. GRCh37 (hg19) VCF-style: chr1-27876052-C-T.
Other names: c.2575G>A, p.Ala859Thr (NM_001029882.3); short protein forms A859T.
Identifiers: ClinVar variation 1302688 (VCV001302688.2), dbSNP rs2148276632, ClinGen allele CA339230231.

ClinVar aggregate classification (germline): Uncertain significance (1 of 4 stars; one submission).

gnomAD v4.1: 1 of 1,613,264 alleles (0.000062%); highest among the groups gnomAD compares: Non-Finnish European, 0.000085%; no homozygotes.

Submission:

GeneDx
Classification: Uncertain significance. Last evaluated: 2019-06-24. Review status: criteria provided, single submitter. Criteria: GeneDx Variant Classification Process June 2021. Collection method: clinical testing. Allele origin: germline. Affected: yes.
Comment: Not observed in large population cohorts (Lek et al., 2016); In silico analysis, which includes protein predictors and evolutionary conservation, supports that this variant does not alter protein structure/function; Has not been previously published as pathogenic or benign to our knowledge